The following is an entry in ClinVar:

NM_001395400.1(TMEM200C):c.676_690del (p.Ala226_Ala230del)

Genes: MIR3976HG (MIR3976 host gene; plus strand), TMEM200C (transmembrane protein 200C; minus strand). Cytogenetic location: 18p11.31.
Variant type: Deletion.
Coding change: c.676_690del on transcript NM_001395400.1 (MANE Select); coding-DNA positions 676 to 690, 15 bases deleted (GCGGCCGCCGCCGCC).
Protein change: p.Ala226_Ala230del.
Molecular consequence: inframe deletion.
Genome position (GRCh38, 1-based): chr18:5,891,374-5,891,388, GGCGGCGGCGGCCGC deleted on the plus strand (GCGGCCGCCGCCGCC on the coding strand, the reverse complement: TMEM200C is on the minus strand); deleting any 15 consecutive bases within chr18:5,891,374-5,891,397 gives the same sequence; the c. name uses the placement nearest the transcript's 3' end. VCF-style (leftmost placement, unchanged base first): chr18-5891373-AGGCGGCGGCGGCCGC-A. GRCh37 (hg19) VCF-style: chr18-5891372-AGGCGGCGGCGGCCGC-A.
Other names: c.676_690del, p.Ala226_Ala230del (NM_001080209.3).
Identifiers: ClinVar variation 2648538 (VCV002648538.24), dbSNP rs753663173, ClinGen allele CA8878522.

ClinVar aggregate classification (germline): Likely benign (1 of 4 stars; one submission).

Submission:

CeGaT Center for Human Genetics Tuebingen
Classification: Likely benign. Last evaluated: 2023-05-01. Review status: criteria provided, single submitter. Criteria: CeGaT Center For Human Genetics Tuebingen Variant Classification Criteria Version 2. Collection method: clinical testing. Allele origin: germline. Affected: yes. Observed: 1 variant allele.
Comment: TMEM200C: BS2